The following is an entry in ClinVar:

ClinVar aggregate classification (germline): Conflicting classifications of pathogenicity. Review status: criteria provided, conflicting classifications (1 of 4 stars). 4 submissions from 4 submitters: Uncertain significance (2); Likely benign (2). Last evaluated 2026-01-06.

Conditions:
LRP5-related disorder. Also called: LRP5-related condition.
Inborn genetic diseases. Identifiers: MedGen C0950123, MeSH D030342.

Allele frequency attached by ClinVar (database versions not stated): gnomAD exomes 0.00004; ExAC 0.00007; ESP Exome Variant Server 0.00008; TOPMed 0.00008; gnomAD 0.00009; 1000 Genomes Project 30x 0.00016; 1000 Genomes Project 0.00020.
gnomAD v4.1: 51 of 1,613,476 alleles (0.0032%); highest among the groups gnomAD compares: African/African-American, 0.021%; no homozygotes.

Submissions (4):

PreventionGenetics, part of Exact Sciences
Classification: Uncertain significance for LRP5-related condition. Last evaluated: 2026-01-06. Review status: criteria provided, single submitter. Criteria: ACMG Guidelines, 2015. Collection method: clinical testing. Allele origin: germline.
Comment: The LRP5 c.1798G>A variant is predicted to result in the amino acid substitution p.Val600Ile. To our knowledge, this variant has not been reported in the literature. This variant is reported in 0.020% of alleles in individuals of African descent in gnomAD. At this time, the clinical significance of this variant is uncertain due to the absence of conclusive functional and genetic evidence.

Labcorp Genetics (formerly Invitae), Labcorp
Classification: Uncertain significance. Last evaluated: 2025-10-01. Review status: criteria provided, single submitter. Criteria: Invitae Variant Classification Sherloc (09022015). Collection method: clinical testing. Allele origin: germline.
Comment: This sequence change replaces valine, which is neutral and non-polar, with isoleucine, which is neutral and non-polar, at codon 600 of the LRP5 protein (p.Val600Ile). This variant is present in population databases (rs143878170, gnomAD 0.02%). This variant has not been reported in the literature in individuals affected with LRP5-related conditions. ClinVar contains an entry for this variant (Variation ID: 966682). Invitae Evidence Modeling of protein sequence and biophysical properties (such as structural, functional, and spatial information, amino acid conservation, physicochemical variation, residue mobility, and thermodynamic stability) indicates that this missense variant is not expected to disrupt LRP5 protein function with a negative predictive value of 95%. In summary, the available evidence is currently insufficient to determine the role of this variant in disease. Therefore, it has been classified as a Variant of Uncertain Significance.

Blueprint Genetics
Classification: Likely benign. Last evaluated: 2024-11-05. Review status: criteria provided, single submitter. Criteria: ACMG Guidelines, 2015. Collection method: clinical testing. Allele origin: germline.

Ambry Genetics
Classification: Likely benign for Inborn genetic diseases. Last evaluated: 2021-07-09. Review status: criteria provided, single submitter. Criteria: Ambry Variant Classification Scheme 2023. Collection method: clinical testing. Allele origin: germline.

NM_002335.4(LRP5):c.1798G>A (p.Val600Ile)

Gene: LRP5 (LDL receptor related protein 5; plus strand). Cytogenetic location: 11q13.2.
Variant type: single nucleotide variant.
Coding change: c.1798G>A on transcript NM_002335.4 (MANE Select); coding-DNA position 1798, G replaced by A.
Protein change: p.Val600Ile; replaces valine 600 with isoleucine.
Molecular consequence: missense variant. On other transcripts: 5 prime UTR variant (1).
Genome position (GRCh38, 1-based): chr11:68,403,696, G>A. VCF-style: chr11-68403696-G-A. GRCh37 (hg19) VCF-style: chr11-68171164-G-A.
Other names: c.1798G>A (NM_002335.2); c.-140G>A (NM_001291902.2); short protein forms V600I.
Identifiers: ClinVar variation 966682 (VCV000966682.11), dbSNP rs143878170, ClinGen allele CA6149427.